The following is an entry in ClinVar:

NM_015404.4(WHRN):c.995G>A (p.Arg332Gln)

Gene: WHRN (whirlin; minus strand). Cytogenetic location: 9q32.
Variant type: single nucleotide variant.
Coding change: c.995G>A on transcript NM_015404.4 (MANE Select); coding-DNA position 995, G replaced by A.
Protein change: p.Arg332Gln; replaces arginine 332 with glutamine.
Molecular consequence: missense variant. On other transcripts: 5 prime UTR variant (1).
Genome position (GRCh38, 1-based): chr9:114,426,382, C>T on the plus strand (G>A on the coding strand, the complement: WHRN is on the minus strand). VCF-style: chr9-114426382-C-T. GRCh37 (hg19) VCF-style: chr9-117188662-C-T.
Other names: c.-155G>A (NM_001083885.3); c.995G>A, p.Arg332Gln (NM_001173425.2); short protein forms R332Q.
Identifiers: ClinVar variation 227295 (VCV000227295.18), dbSNP rs139193948, ClinGen allele CA5206099.

ClinVar aggregate classification (germline): Conflicting classifications of pathogenicity. Review status: criteria provided, conflicting classifications (1 of 4 stars). 7 submissions from 7 submitters: Uncertain significance (5); Likely benign (1). 1 of the submissions does not count toward it. Last evaluated 2025-05-20.

Conditions:
WHRN-related disorder. Also called: WHRN-related condition.

Allele frequency attached by ClinVar (database versions not stated): gnomAD exomes 0.00014; ExAC 0.00017; TOPMed 0.00040; gnomAD 0.00045 and 0.00046; ESP Exome Variant Server 0.00062; 1000 Genomes Project 0.00080; 1000 Genomes Project 30x 0.00109.
gnomAD v4.1: 220 of 1,613,250 alleles (0.014%); highest among the groups gnomAD compares: African/African-American, 0.15%; no homozygotes.

Submissions (7):

Revvity Omics, Revvity
Classification: Uncertain significance. Last evaluated: 2025-05-20. Review status: criteria provided, single submitter. Criteria: ACMG Guidelines, 2015. Collection method: clinical testing. Allele origin: germline.

Blueprint Genetics
Classification: Uncertain significance. Last evaluated: 2024-10-03. Review status: criteria provided, single submitter. Criteria: ACMG Guidelines, 2015. Collection method: clinical testing. Allele origin: germline.

Labcorp Genetics (formerly Invitae), Labcorp
Classification: Uncertain significance. Last evaluated: 2024-01-29. Review status: criteria provided, single submitter. Criteria: Invitae Variant Classification Sherloc (09022015). Collection method: clinical testing. Allele origin: germline.
Comment: This sequence change replaces arginine, which is basic and polar, with glutamine, which is neutral and polar, at codon 332 of the WHRN protein (p.Arg332Gln). This variant is present in population databases (rs139193948, gnomAD 0.1%). This missense change has been observed in individual(s) with early-onset hearing loss (PMID: 26969326). ClinVar contains an entry for this variant (Variation ID: 227295). Algorithms developed to predict the effect of missense changes on protein structure and function output the following: SIFT: "Not Available"; PolyPhen-2: "Benign"; Align-GVGD: "Not Available". The glutamine amino acid residue is found in multiple mammalian species, which suggests that this missense change does not adversely affect protein function. In summary, the available evidence is currently insufficient to determine the role of this variant in disease. Therefore, it has been classified as a Variant of Uncertain Significance.

Women's Health and Genetics/Laboratory Corporation of America, LabCorp
Classification: Uncertain significance. Last evaluated: 2021-07-26. Review status: criteria provided, single submitter. Criteria: LabCorp Variant Classification Summary - May 2015. Collection method: clinical testing. Allele origin: germline.
Comment: Variant summary: WHRN c.995G>A (p.Arg332Gln) results in a conservative amino acid change located in the PDZ domain (IPR001478) of the encoded protein sequence. Four of four in-silico tools predict a benign effect of the variant on protein function. The variant allele was found at a frequency of 0.00014 in 248592 control chromosomes, predominantly at a frequency of 0.0016 within the African or African-American subpopulation in the gnomAD database. This frequency is somewhat lower than the maximum expected for a pathogenic variant in WHRN causing Usher Syndrome (0.0038), allowing no conclusion about variant significance. c.995G>A has been reported in the literature in an individual affected with non-syndromic hearing loss (Sloan-Heggen_2016). This report does not provide unequivocal conclusions about association of the variant with Usher Syndrome. To our knowledge, no experimental evidence demonstrating an impact on protein function has been reported. Two clinical diagnostic laboratories have submitted clinical-significance assessments for this variant to ClinVar after 2014, and classified the variant as likely benign (n=1), or uncertain significance (n=1). Based on the evidence outlined above, the variant was classified as uncertain significance.

GeneDx
Classification: Uncertain significance. Last evaluated: 2021-05-05. Review status: criteria provided, single submitter. Criteria: GeneDx Variant Classification Process June 2021. Collection method: clinical testing. Allele origin: germline. Affected: yes.
Comment: Observed in published literature in a patient with hearing loss (Sloan-Heggen et al., 2016); In silico analysis supports that this missense variant does not alter protein structure/function; This variant is associated with the following publications: (PMID: 26969326)

Laboratory for Molecular Medicine, Mass General Brigham Personalized Medicine
Classification: Likely benign. Last evaluated: 2015-03-25. Review status: criteria provided, single submitter. Criteria: LMM Criteria. Collection method: clinical testing. Allele origin: germline. Observed: 1 variant allele.
Comment: p.Arg332Gln in exon 4 of DFNB31: This variant is not expected to have clinical s ignificance due to a lack of conservation across species, including mammals. Of note, 7 mammals have a glutamine (Gln) at this position despite moderate nearby amino acid conservation. In addition, computational prediction tools do not sugg est a high likelihood of impact to the protein. This variant has also been ident ified in 0.16% (16/10078) of African chromosomes by the Exome Aggregation Consor tium (ExAC; dbSNP rs139193948).

PreventionGenetics, part of Exact Sciences
Classification: Likely benign for WHRN-related condition. Last evaluated: 2019-08-07. Review status: no assertion criteria provided. Collection method: clinical testing. Allele origin: germline. Not counted in ClinVar's aggregate classification.
Comment: This variant is classified as likely benign based on ACMG/AMP sequence variant interpretation guidelines (Richards et al. 2015 PMID: 25741868, with internal and published modifications).

Literature cited by the submitters: PubMed 26969326 (cited by Labcorp Genetics (formerly Invitae), Labcorp and Women's Health and Genetics/Laboratory Corporation of America, LabCorp).